The following is an entry in ClinVar:

ClinVar aggregate classification (germline): Likely benign. Review status: criteria provided, single submitter (1 of 4 stars). 2 submissions from 2 submitters: Likely benign (1). 1 of the submissions does not count toward it. Last evaluated 2025-07-30.

Conditions:
DEAF1-related disorder.

Allele frequency attached by ClinVar (database versions not stated): ExAC 0.00003; TOPMed 0.00007; gnomAD 0.00009.
gnomAD v4.1: 25 of 1,613,970 alleles (0.0015%); highest among the groups gnomAD compares: African/African-American, 0.033%; no homozygotes.

Submissions (2):

Labcorp Genetics (formerly Invitae), Labcorp
Classification: Likely benign. Last evaluated: 2025-07-30. Review status: criteria provided, single submitter. Criteria: Invitae Variant Classification Sherloc (09022015). Collection method: clinical testing. Allele origin: germline.

PreventionGenetics, part of Exact Sciences
Classification: Uncertain significance for DEAF1-related condition. Last evaluated: 2024-05-23. Review status: no assertion criteria provided. Collection method: clinical testing. Allele origin: germline. Not counted in ClinVar's aggregate classification.
Comment: The DEAF1 c.432A>C variant is predicted to result in the amino acid substitution p.Glu144Asp. To our knowledge, this variant has not been reported in the literature. This variant is reported in 0.032% of alleles in individuals of African descent in gnomAD. At this time, the clinical significance of this variant is uncertain due to the absence of conclusive functional and genetic evidence.

NM_021008.4(DEAF1):c.432A>C (p.Glu144Asp)

Gene: DEAF1 (DEAF1 transcription factor; minus strand). Cytogenetic location: 11p15.5.
Variant type: single nucleotide variant.
Coding change: c.432A>C on transcript NM_021008.4 (MANE Select); coding-DNA position 432, A replaced by C.
Protein change: p.Glu144Asp; replaces glutamic acid 144 with aspartic acid.
Molecular consequence: missense variant. On other transcripts: 5 prime UTR variant (1).
Genome position (GRCh38, 1-based): chr11:688,416, T>G on the plus strand (A>C on the coding strand, the complement: DEAF1 is on the minus strand). VCF-style: chr11-688416-T-G. GRCh37 (hg19) VCF-style: chr11-688416-T-G.
Other names: c.432A>C, p.Glu144Asp (NM_001293634.2); c.-295A>C (NM_001367390.1); short protein forms E144D.
Identifiers: ClinVar variation 2079746 (VCV002079746.5), dbSNP rs566174877, ClinGen allele CA5786545.